The following is an entry in ClinVar:

ClinVar aggregate classification (germline): Uncertain significance (1 of 4 stars; one submission).

gnomAD v4.1: 31 of 1,612,424 alleles (0.0019%); highest among the groups gnomAD compares: Non-Finnish European, 0.0025%; no homozygotes.

Submission:

GeneDx
Classification: Uncertain significance. Last evaluated: 2025-04-22. Review status: criteria provided, single submitter. Criteria: GeneDx Variant Classification Process June 2021. Collection method: clinical testing. Allele origin: germline. Affected: yes.
Comment: Not observed at significant frequency in large population cohorts (gnomAD); In silico analysis supports that this missense variant has a deleterious effect on protein structure/function; Has not been previously published as pathogenic or benign to our knowledge

NM_002906.4(RDX):c.601T>C (p.Tyr201His)

Gene: RDX (radixin; minus strand). Cytogenetic location: 11q22.3.
Variant type: single nucleotide variant.
Coding change: c.601T>C on transcript NM_002906.4 (MANE Select); coding-DNA position 601, T replaced by C.
Protein change: p.Tyr201His; replaces tyrosine 201 with histidine.
Molecular consequence: missense variant. On other transcripts: intron variant (2).
Genome position (GRCh38, 1-based): chr11:110,257,864, A>G on the plus strand (T>C on the coding strand, the complement: RDX is on the minus strand). VCF-style: chr11-110257864-A-G. GRCh37 (hg19) VCF-style: chr11-110128589-A-G.
Other names: c.601T>C, p.Tyr201His (NM_001260492.2, NM_001260493.2, NM_001440505.1 and 5 more transcripts); c.193T>C, p.Tyr65His (NM_001260494.2); c.568T>C, p.Tyr190His (NM_001440510.1, NM_001440511.1, NM_001440513.1 and 2 more transcripts); c.517T>C, p.Tyr173His (NM_001440516.1); c.505T>C, p.Tyr169His (NM_001440517.1); c.-82-10031T>C (NM_001260495.2); c.404+293T>C (NM_001260496.2); short protein forms Y169H, Y173H, Y190H, Y201H, Y65H.
Identifiers: ClinVar variation 4527112 (VCV004527112.1).
Genomic context (GRCh38, chr11:110,257,864, plus strand): 5'-CAACACCTAGCCACAATTCAGTTCCTTTTTTATTTTTTATTTCAAAATAGTTGACTCCAT[A>G]CATTTCTAGATCTTGTGCAATCTTCAGGTATTCCATCATAGAATCCTCCCTGTTGAAATA-3'
Protein context (NP_002897.1, residues 191-211): YLKIAQDLEM[Tyr201His]GVNYFEIKNK